The following is an entry in ClinVar:

NM_001849.4(COL6A2):c.803G>T (p.Gly268Val)

Gene: COL6A2 (collagen type VI alpha 2 chain; plus strand). Cytogenetic location: 21q22.3.
Variant type: single nucleotide variant.
Coding change: c.803G>T on transcript NM_001849.4 (MANE Select); coding-DNA position 803, G replaced by T.
Protein change: p.Gly268Val; replaces glycine 268 with valine.
Molecular consequence: missense variant.
Genome position (GRCh38, 1-based): chr21:46,115,873, G>T. VCF-style: chr21-46115873-G-T. GRCh37 (hg19) VCF-style: chr21-47535787-G-T.
Other names: c.803G>T, p.Gly268Val (NM_058174.3, NM_058175.3); short protein forms G268V.
Identifiers: ClinVar variation 945243 (VCV000945243.8), dbSNP rs397515333, ClinGen allele CA410524590.

ClinVar aggregate classification (germline): Likely pathogenic (1 of 4 stars; one submission).

Conditions:
Bethlem myopathy 1A. Also called: Bethlem Muscular Dystrophy; MYOPATHY, BENIGN CONGENITAL, WITH CONTRACTURES; Bethlem myopathy 1. Identifiers: Orphanet 610, MedGen CN029274, MONDO:0024530, OMIM 158810.

Submission:

Labcorp Genetics (formerly Invitae), Labcorp
Classification: Likely pathogenic for Bethlem myopathy 1A. Last evaluated: 2025-08-29. Review status: criteria provided, single submitter. Criteria: Invitae Variant Classification Sherloc (09022015). Collection method: clinical testing. Allele origin: germline.
Comment: This sequence change replaces glycine, which is neutral and non-polar, with valine, which is neutral and non-polar, at codon 268 of the COL6A2 protein (p.Gly268Val). This variant is not present in population databases (gnomAD no frequency). This variant has not been reported in the literature in individuals affected with COL6A2-related conditions. ClinVar contains an entry for this variant (Variation ID: 945243). An algorithm developed to predict the effect of missense changes on protein structure and function (PolyPhen-2) suggests that this variant is likely to be disruptive. This variant disrupts the triple helix domain of COL6A2. Glycine residues within the Gly-Xaa-Yaa repeats of the triple helix domain are required for the structure and stability of fibrillar collagens (PMID: 7695699, 8218237, 19344236). In COL6A2, missense variants at these glycine residues are significantly enriched in individuals with autosomal dominant disease (PMID: 15689448, 24038877) compared to the general population (ExAC). This variant disrupts the p.Gly268 amino acid residue in COL6A2. Other variant(s) that disrupt this residue have been observed in individuals with COL6A2-related conditions (PMID: 25535305, 32065942), which suggests that this may be a clinically significant amino acid residue. In summary, the currently available evidence indicates that the variant is pathogenic, but additional data are needed to prove that conclusively. Therefore, this variant has been classified as Likely Pathogenic.

Literature cited by the submitters: PubMed 7695699; PubMed 8218237; PubMed 19344236; PubMed 15689448; PubMed 24038877; PubMed 25535305; PubMed 32065942.